The following is an entry in ClinVar:

NC_000006.11:g.(?_42152553)_(42153535_?)del

Gene: GUCA1B (guanylate cyclase activator 1B; minus strand). Cytogenetic location: 6p21.1.
Variant type: Deletion.
Identifiers: ClinVar variation 1064104 (VCV001064104.5).

ClinVar aggregate classification (germline): Uncertain significance (1 of 4 stars; one submission).

Submission:

Labcorp Genetics (formerly Invitae), Labcorp
Classification: Uncertain significance. Last evaluated: 2020-06-02. Review status: criteria provided, single submitter. Criteria: Invitae Variant Classification Sherloc (09022015). Collection method: clinical testing. Allele origin: germline.
Comment: In summary, the available evidence is currently insufficient to determine the role of this variant in disease. Therefore, it has been classified as a Variant of Uncertain Significance. Experimental studies and prediction algorithms are not available or were not evaluated, and the functional significance of this variant is currently unknown. This variant has not been reported in the literature in individuals with GUCA1B-related conditions. This variant is a gross deletion of the genomic region encompassing exon(s) 3-4 of the GUCA1B gene. The 5' boundary is likely confined to intron 2. The 3' end of this event is unknown as it extends through the termination codon beyond the assayed region for this gene and may encompass additional genes. While this deletion is not anticipated to result in nonsense mediated decay, it is expected to create a truncated protein product or disrupt mRNA translation.